The following is an entry in ClinVar:

ClinVar aggregate classification (germline): Conflicting classifications of pathogenicity. Review status: criteria provided, conflicting classifications (1 of 4 stars). 3 submissions from 3 submitters: Likely pathogenic (2); Uncertain significance (1). Last evaluated 2025-12-07.

Conditions:
Neurodegeneration, childhood-onset, with cerebellar atrophy. Identifiers: MedGen C4748934, MONDO:0032650, OMIM 618276.

Allele frequency attached by ClinVar (database versions not stated): TOPMed 0.00007; gnomAD 0.00004 and 0.00009; gnomAD exomes 0.00010 and 0.00036; 1000 Genomes Project 30x 0.00062; ExAC 0.00243.

Submissions (3):

GeneDx
Classification: Likely pathogenic. Last evaluated: 2025-12-07. Review status: criteria provided, single submitter. Criteria: GeneDx Variant Classification Process June 2021. Collection method: clinical testing. Allele origin: germline. Affected: yes.
Comment: Frameshift variant predicted to result in protein truncation or nonsense mediated decay in a gene for which loss of function is a known mechanism of disease; Has not been previously published in association with an AGTPBP1-related disorder to our knowledge; This variant is associated with the following publications: (PMID: 36651276)

First Genomix Gene Laboratory, Genetic Diagnostics Department
Classification: Likely pathogenic for Neurodegeneration, childhood-onset, with cerebellar atrophy. Last evaluated: 2025-07-15. Review status: criteria provided, single submitter. Criteria: ACMG Guidelines, 2015. Collection method: clinical testing. Allele origin: germline. Inheritance: Autosomal recessive inheritance. Affected: no. Observed: 1 variant allele.

Revvity Omics, Revvity
Classification: Uncertain significance for Neurodegeneration, childhood-onset, with cerebellar atrophy. Last evaluated: 2021-04-16. Review status: criteria provided, single submitter. Criteria: ACMG Guidelines, 2015. Collection method: clinical testing. Allele origin: germline.

NM_001330701.2(AGTPBP1):c.-66del

Genes: AGTPBP1 (ATP/GTP binding carboxypeptidase 1; minus strand), LOC130001960 (ATAC-STARR-seq lymphoblastoid silent region 19988; plus strand). Cytogenetic location: 9q21.33.
Variant type: Deletion.
Coding change: c.-66del on transcript NM_001330701.2 (MANE Select); 66 bases upstream of the start codon, one base deleted (G; older notation c.-66delG).
Molecular consequence: 5 prime UTR variant. On other transcripts: frameshift variant (2).
Genome position (GRCh38, 1-based): chr9:85,741,807, C deleted on the plus strand (G on the coding strand, the reverse complement: AGTPBP1 is on the minus strand). VCF-style (leftmost placement, unchanged base first): chr9-85741806-GC-G. GRCh37 (hg19) VCF-style: chr9-88356721-GC-G.
Other names: c.156delG (NM_001286715.1); c.156del, p.Arg53fs (NM_001286717.1, NM_001286715.1); c.-66del (NM_015239.3); short protein forms R53fs.
Identifiers: ClinVar variation 1201667 (VCV001201667.13), dbSNP rs549877950, ClinGen allele CA5106969.
Genomic context (GRCh38, chr9:85,741,806, plus strand): 5'-GGACATGAGGACTGCAGCAGGGCGCTCACCGGCTCAGGATGGGGCGCTGGCGGGGACCGC[GC>G]AGAGCCGCAGCACCCGGCTCAGCACCTGGATCACGGCGGATCCCTCGCCGCCCGCCGCCC-3'